The following is an entry in ClinVar:

ClinVar aggregate classification (germline): Conflicting classifications of pathogenicity. Review status: criteria provided, conflicting classifications (1 of 4 stars). 6 submissions from 6 submitters: Uncertain significance (4); Likely benign (1). 1 of the submissions does not count toward it. Last evaluated 2026-08-11.

Conditions:
Hereditary cancer-predisposing syndrome. Also called: Neoplastic Syndromes, Hereditary; Hereditary Cancer Syndrome; Tumor predisposition; Hereditary neoplastic syndrome. Identifiers: Orphanet 140162, MedGen C0027672, MeSH D009386, MONDO:0015356.
Familial cancer of breast. Also called: Hereditary breast cancer; BREAST CANCER, FAMILIAL; hereditary breast carcinoma. Identifiers: Orphanet 227535, MedGen C0346153, MONDO:0016419, OMIM 114480. Disease mechanism: loss of function.
Ataxia-telangiectasia syndrome (AT). Also called: LOUIS-BAR SYNDROME; Cerebello-oculocutaneous telangiectasia; Immunodeficiency with ataxia telangiectasia; Ataxia-telangiectasia, complementation group D; AT, COMPLEMENTATION GROUP C; Ataxia-telangiectasia, complementation group E. Identifiers: Orphanet 100, MedGen C0004135, MONDO:0008840, OMIM 208900.

Allele frequency attached by ClinVar (database versions not stated): TOPMed 0.00001; gnomAD 0.00001.
gnomAD v4.1: 5 of 1,611,602 alleles (0.00031%); highest among the groups gnomAD compares: Non-Finnish European, 0.00042%; no homozygotes.

Submissions (6):

Ambry Genetics
Classification: Likely benign for Hereditary cancer-predisposing syndrome. Last evaluated: 2026-08-11. Review status: criteria provided, single submitter. Criteria: Ambry Variant Classification Scheme 2023. Collection method: clinical testing. Allele origin: germline.

Labcorp Genetics (formerly Invitae), Labcorp
Classification: Uncertain significance for Ataxia-telangiectasia syndrome. Last evaluated: 2026-01-18. Review status: criteria provided, single submitter. Criteria: Invitae Variant Classification Sherloc (09022015). Collection method: clinical testing. Allele origin: germline.
Comment: This sequence change replaces proline, which is neutral and non-polar, with alanine, which is neutral and non-polar, at codon 1587 of the ATM protein (p.Pro1587Ala). This variant is not present in population databases (gnomAD no frequency). This variant has not been reported in the literature in individuals affected with ATM-related conditions. ClinVar contains an entry for this variant (Variation ID: 185808). Invitae Evidence Modeling of protein sequence and biophysical properties (such as structural, functional, and spatial information, amino acid conservation, physicochemical variation, residue mobility, and thermodynamic stability) indicates that this missense variant is not expected to disrupt ATM protein function with a negative predictive value of 95%. In summary, the available evidence is currently insufficient to determine the role of this variant in disease. Therefore, it has been classified as a Variant of Uncertain Significance.

Baylor Genetics
Classification: Uncertain significance for Familial cancer of breast. Last evaluated: 2024-02-20. Review status: criteria provided, single submitter. Criteria: ACMG Guidelines, 2015. Collection method: clinical testing. Allele origin: unknown.

Department of Pathology and Laboratory Medicine, Sinai Health System
Classification: Uncertain significance for Familial cancer of breast. Last evaluated: 2023-11-06. Review status: criteria provided, single submitter. Criteria: ACMG Guidelines, 2015. Collection method: clinical testing. Allele origin: germline. Affected: yes.

GeneDx
Classification: Uncertain significance. Last evaluated: 2023-03-27. Review status: criteria provided, single submitter. Criteria: GeneDx Variant Classification Process June 2021. Collection method: clinical testing. Allele origin: germline. Affected: yes.
Comment: Not observed at significant frequency in large population cohorts (gnomAD); In silico analysis supports that this missense variant does not alter protein structure/function; Reported in an individual with breast cancer (Decker et al., 2017); This variant is associated with the following publications: (PMID: 28779002)

Natera, Inc.
Classification: Uncertain significance for Ataxia-telangiectasia. Last evaluated: 2020-12-04. Review status: no assertion criteria provided. Collection method: clinical testing. Allele origin: germline. Not counted in ClinVar's aggregate classification.

Literature cited by the submitters: PubMed 28779002 (cited by Ambry Genetics and Department of Pathology and Laboratory Medicine, Sinai Health System); PubMed 40580951 (cited by Ambry Genetics).

NM_000051.4(ATM):c.4759C>G (p.Pro1587Ala)

Gene: ATM (ATM serine/threonine kinase; plus strand). Cytogenetic location: 11q22.3.
Variant type: single nucleotide variant.
Coding change: c.4759C>G on transcript NM_000051.4 (MANE Select); coding-DNA position 4759, C replaced by G.
Protein change: p.Pro1587Ala; replaces proline 1587 with alanine.
Molecular consequence: missense variant.
Genome position (GRCh38, 1-based): chr11:108,293,460, C>G. VCF-style: chr11-108293460-C-G. GRCh37 (hg19) VCF-style: chr11-108164187-C-G.
Other names: c.4759C>G, p.Pro1587Ala (NM_001351834.2); short protein forms P1587A.
Identifiers: ClinVar variation 185808 (VCV000185808.23), dbSNP rs786202473, ClinGen allele CA193009.